The following is an entry in ClinVar:

NM_001042492.3(NF1):c.103A>T (p.Ser35Cys)

Gene: NF1 (neurofibromin 1; plus strand). Cytogenetic location: 17q11.2.
Variant type: single nucleotide variant.
Coding change: c.103A>T on transcript NM_001042492.3 (MANE Select); coding-DNA position 103, A replaced by T.
Protein change: p.Ser35Cys; replaces serine 35 with cysteine.
Molecular consequence: missense variant.
Genome position (GRCh38, 1-based): chr17:31,156,025, A>T. VCF-style: chr17-31156025-A-T. GRCh37 (hg19) VCF-style: chr17-29483043-A-T.
Other names: c.103A>T, p.Ser35Cys (NM_000267.4, NM_001128147.3); short protein forms S35C.
Identifiers: ClinVar variation 1495582 (VCV001495582.6), dbSNP rs2143625843, ClinGen allele CA398988244.

ClinVar aggregate classification (germline): Uncertain significance (1 of 4 stars; one submission).

Conditions:
Neurofibromatosis, type 1 (NF1). Also called: VON RECKLINGHAUSEN DISEASE; NEUROFIBROMATOSIS, TYPE I, SOMATIC; Peripheral type neurofibromatosis; Neurofibromatosis, type I. Identifiers: Orphanet 636, MedGen C0027831, MONDO:0018975, OMIM 162200. Disease mechanism: loss of function.

Submission:

Labcorp Genetics (formerly Invitae), Labcorp
Classification: Uncertain significance for Neurofibromatosis, type 1. Last evaluated: 2024-07-08. Review status: criteria provided, single submitter. Criteria: Invitae Variant Classification Sherloc (09022015). Collection method: clinical testing. Allele origin: germline.
Comment: This sequence change replaces serine, which is neutral and polar, with cysteine, which is neutral and slightly polar, at codon 35 of the NF1 protein (p.Ser35Cys). This variant is not present in population databases (gnomAD no frequency). This variant has not been reported in the literature in individuals affected with NF1-related conditions. ClinVar contains an entry for this variant (Variation ID: 1495582). Advanced modeling of protein sequence and biophysical properties (such as structural, functional, and spatial information, amino acid conservation, physicochemical variation, residue mobility, and thermodynamic stability) performed at Invitae indicates that this missense variant is expected to disrupt NF1 protein function with a positive predictive value of 95%. In summary, the available evidence is currently insufficient to determine the role of this variant in disease. Therefore, it has been classified as a Variant of Uncertain Significance.